The following is an entry in ClinVar:

ClinVar aggregate classification (germline): Benign. Review status: criteria provided, multiple submitters, no conflicts (2 of 4 stars). 2 submissions from 2 submitters: Benign (2). Last evaluated 2018-01-12.

Conditions:
Nail-patella syndrome (NPS). Also called: FONG DISEASE; ONYCHOOSTEODYSPLASIA; TURNER-KIESER SYNDROME. Identifiers: Orphanet 2614, MedGen C0027341, MONDO:0008061, OMIM 161200.

Allele frequency attached by ClinVar (database versions not stated): gnomAD exomes 0.36667; gnomAD 0.42825 and 0.44128; TOPMed 0.43604; 1000 Genomes Project 30x 0.53701; 1000 Genomes Project 0.54832.
gnomAD v4.1: 67,064 of 152,030 alleles (44%); highest among the groups gnomAD compares: East Asian, 86%; 15,581 homozygotes.

Submissions (2):

Illumina Laboratory Services, Illumina
Classification: Benign for Nail-patella syndrome. Last evaluated: 2018-01-12. Review status: criteria provided, single submitter. Criteria: ICSL Variant Classification Criteria 13 December 2019. Collection method: clinical testing. Allele origin: germline.
Comment: This variant was observed in the ICSL laboratory as part of a predisposition screen in an ostensibly healthy population. It had not been previously curated by ICSL or reported in the Human Gene Mutation Database (HGMD: prior to June 1st, 2018), and was therefore a candidate for classification through an automated scoring system. Utilizing variant allele frequency, disease prevalence and penetrance estimates, and inheritance mode, an automated score was calculated to assess if this variant is too frequent to cause the disease. Based on the score and internal cut-off values, a variant classified as benign is not then subjected to further curation. The score for this variant resulted in a classification of benign for this disease.

Breakthrough Genomics
Classification: Benign. Review status: criteria provided, single submitter. Criteria: ACMG Guidelines, 2015. Collection method: not provided. Allele origin: germline. Inheritance: Autosomal dominant inheritance. Affected: yes.

NM_001174147.2(LMX1B):c.*3864T>C

Gene: LMX1B (LIM homeobox transcription factor 1 beta; plus strand). Cytogenetic location: 9q33.3.
Variant type: single nucleotide variant.
Coding change: c.*3864T>C on transcript NM_001174147.2 (MANE Select); 3864 bases downstream of the stop codon, T replaced by C.
Molecular consequence: 3 prime UTR variant.
Genome position (GRCh38, 1-based): chr9:126,700,315, T>C. VCF-style: chr9-126700315-T-C. GRCh37 (hg19) VCF-style: chr9-129462594-T-C.
Other names: c.*3864T>C (NM_001174146.2, NM_002316.4).
Identifiers: ClinVar variation 364983 (VCV000364983.6), dbSNP rs10987419, ClinGen allele CA10632335.